The following is an entry in ClinVar:

NM_004963.4(GUCY2C):c.2359A>C (p.Lys787Gln)

Gene: GUCY2C (guanylate cyclase 2C; minus strand). Cytogenetic location: 12p12.3.
Variant type: single nucleotide variant.
Coding change: c.2359A>C on transcript NM_004963.4 (MANE Select); coding-DNA position 2359, A replaced by C.
Protein change: p.Lys787Gln; replaces lysine 787 with glutamine.
Molecular consequence: missense variant.
Genome position (GRCh38, 1-based): chr12:14,625,806, T>G on the plus strand (A>C on the coding strand, the complement: GUCY2C is on the minus strand). VCF-style: chr12-14625806-T-G. GRCh37 (hg19) VCF-style: chr12-14778740-T-G.
Other names: c.2359A>C (NM_004963.3); short protein forms K787Q.
Identifiers: ClinVar variation 1480749 (VCV001480749.7), dbSNP rs749169907, ClinGen allele CA6463091.
Genomic context (GRCh38, chr12:14,625,806, plus strand): 5'-GCTTGCCTTACCTTGGAAGCAACATAAAGTTAAGTCTGTCAGCCCTGTCCCTCTCTGCCT[T>G]GTACAGCTGTGTCCTTTCCTCTACCAGATGTTCCAGGTTTCGAGAATATAGCTGTAGACG-3'
Protein context (NP_004954.2, residues 777-797): HLVEERTQLY[Lys787Gln]AERDRADRLN

ClinVar aggregate classification (germline): Uncertain significance. Review status: criteria provided, multiple submitters, no conflicts (2 of 4 stars). 2 submissions from 2 submitters: Uncertain significance (2). Last evaluated 2024-07-31.

Conditions:
Inborn genetic diseases. Identifiers: MedGen C0950123, MeSH D030342.

Allele frequency attached by ClinVar (database versions not stated): gnomAD exomes 0.00004 and 0.00005; gnomAD 0.00005 and 0.00006; TOPMed 0.00005; ExAC 0.00008.
gnomAD v4.1: 79 of 1,613,856 alleles (0.0049%); highest among the groups gnomAD compares: Non-Finnish European, 0.0061%; no homozygotes.

Submissions (2):

Labcorp Genetics (formerly Invitae), Labcorp
Classification: Uncertain significance. Last evaluated: 2024-07-31. Review status: criteria provided, single submitter. Criteria: Invitae Variant Classification Sherloc (09022015). Collection method: clinical testing. Allele origin: germline.
Comment: This sequence change replaces lysine, which is basic and polar, with glutamine, which is neutral and polar, at codon 787 of the GUCY2C protein (p.Lys787Gln). This variant is present in population databases (rs749169907, gnomAD 0.009%). This variant has not been reported in the literature in individuals affected with GUCY2C-related conditions. ClinVar contains an entry for this variant (Variation ID: 1480749). Advanced modeling of protein sequence and biophysical properties (such as structural, functional, and spatial information, amino acid conservation, physicochemical variation, residue mobility, and thermodynamic stability) has been performed at Invitae for this missense variant, however the output from this modeling did not meet the statistical confidence thresholds required to predict the impact of this variant on GUCY2C protein function. In summary, the available evidence is currently insufficient to determine the role of this variant in disease. Therefore, it has been classified as a Variant of Uncertain Significance.

Ambry Genetics
Classification: Uncertain significance for Inborn genetic diseases. Last evaluated: 2023-12-21. Review status: criteria provided, single submitter. Criteria: Ambry Variant Classification Scheme 2023. Collection method: clinical testing. Allele origin: germline.